The following is an entry in ClinVar:

ClinVar aggregate classification (germline): Benign/Likely benign. Review status: criteria provided, multiple submitters, no conflicts (2 of 4 stars). 21 submissions from 18 submitters: Benign (12); Likely benign (5). 4 of the submissions do not count toward it. Last evaluated 2026-09-01.

Conditions:
TTN-related disorder. Also called: TTN-related disorders; TTN-related condition; TTN-related disease.
Cardiovascular phenotype. Identifiers: MedGen CN230736.
Autosomal recessive limb-girdle muscular dystrophy type 2J (LGMDR10). Also called: MUSCULAR DYSTROPHY, LIMB-GIRDLE, AUTOSOMAL RECESSIVE 10; Limb-girdle muscular dystrophy, type 2J. Identifiers: Orphanet 140922, MedGen C1837342, MONDO:0012127, OMIM 608807.
Dilated cardiomyopathy 1G (CMD1G). Identifiers: Orphanet 154, MedGen C1858763, MONDO:0011400, OMIM 604145.
Cardiomyopathy (CMYO). Also called: Cardiomyopathies. Identifiers: Orphanet 167848, MedGen C0878544, MONDO:0004994, HP:0001638. Inheritance: Various modes of inheritance.
Early-onset myopathy with fatal cardiomyopathy (CMYO5). Also called: CONGENITAL MYOPATHY 5 WITH CARDIOMYOPATHY; Salih Myopathy. Identifiers: Orphanet 289377, MedGen C2673677, MONDO:0012714, OMIM 611705. Disease mechanism: loss of function.
Myopathy, myofibrillar, 9, with early respiratory failure (MFM9). Also called: Myopathy, distal, with early respiratory failure, autosomal dominant; Hereditary myopathy with early respiratory failure; EDSTROM MYOPATHY; MYOPATHY, PROXIMAL, WITH EARLY RESPIRATORY MUSCLE INVOLVEMENT. Identifiers: Orphanet 178464, Orphanet 34521, MedGen C1863599, MONDO:0011362, OMIM 603689.
Tibial muscular dystrophy (TMD). Also called: Tibial muscular dystrophy, tardive; Udd Distal Myopathy – Tibial Muscular Dystrophy; UDD MYOPATHY. Identifiers: Orphanet 609, MedGen C1838244, MONDO:0010870, OMIM 600334.

Allele frequency attached by ClinVar (database versions not stated): TOPMed 0.00221; ESP Exome Variant Server 0.00316; gnomAD 0.00199 and 0.00209; 1000 Genomes Project 0.00240; 1000 Genomes Project 30x 0.00281; gnomAD exomes 0.00020 and 0.00054; ExAC 0.00073.
gnomAD v4.1: 606 of 1,611,868 alleles (0.038%); highest among the groups gnomAD compares: African/African-American, 0.74%; 1 homozygote.

Submissions (21):

CeGaT Center for Human Genetics Tuebingen
Classification: Likely benign. Last evaluated: 2026-09-01. Review status: criteria provided, single submitter. Criteria: CeGaT Center For Human Genetics Tuebingen Variant Classification Criteria Version 2. Collection method: clinical testing. Allele origin: germline. Affected: yes. Observed: 2 variant alleles.
Comment: TTN: BP4

Labcorp Genetics (formerly Invitae), Labcorp
Classification: Benign for Dilated cardiomyopathy 1G; Autosomal recessive limb-girdle muscular dystrophy type 2J. Last evaluated: 2026-02-01. Review status: criteria provided, single submitter. Criteria: Invitae Variant Classification Sherloc (09022015). Collection method: clinical testing. Allele origin: germline.

Mayo Clinic Laboratories, Mayo Clinic
Classification: Likely benign. Last evaluated: 2025-07-29. Review status: criteria provided, single submitter. Criteria: ACMG Guidelines, 2015. Collection method: clinical testing. Allele origin: germline. Observed: 5 variant alleles.
Comment: BS1, BP4, BP7

Molecular Diagnostic Laboratory for Inherited Cardiovascular Disease, Montreal Heart Institute
Classification: Likely benign. Last evaluated: 2025-04-09. Review status: criteria provided, single submitter. Criteria: ACMG Guidelines, 2015. Collection method: clinical testing. Allele origin: germline. Affected: no.

ARUP Laboratories, Molecular Genetics and Genomics, ARUP Laboratories
Classification: Likely benign. Last evaluated: 2025-03-21. Review status: criteria provided, single submitter. Criteria: ARUP Molecular Germline Variant Investigation Process 2024. Collection method: clinical testing. Allele origin: germline.

Blueprint Genetics
Classification: Likely benign. Last evaluated: 2024-11-11. Review status: criteria provided, single submitter. Criteria: ACMG Guidelines, 2015. Collection method: clinical testing. Allele origin: germline.

Women's Health and Genetics/Laboratory Corporation of America, LabCorp
Classification: Benign. Last evaluated: 2023-05-18. Review status: criteria provided, single submitter. Criteria: LabCorp Variant Classification Summary - May 2015. Collection method: clinical testing. Allele origin: germline.

Genome-Nilou Lab
Classification: Benign for Autosomal recessive limb-girdle muscular dystrophy type 2J. Last evaluated: 2021-09-10. Review status: criteria provided, single submitter. Criteria: ACMG Guidelines, 2015. Collection method: clinical testing. Allele origin: germline. Affected: no.

Genome-Nilou Lab
Classification: Benign for Myopathy, myofibrillar, 9, with early respiratory failure. Last evaluated: 2021-09-10. Review status: criteria provided, single submitter. Criteria: ACMG Guidelines, 2015. Collection method: clinical testing. Allele origin: germline. Affected: no.

Genome-Nilou Lab
Classification: Benign for Early-onset myopathy with fatal cardiomyopathy. Last evaluated: 2021-09-10. Review status: criteria provided, single submitter. Criteria: ACMG Guidelines, 2015. Collection method: clinical testing. Allele origin: germline. Affected: no.

Genome-Nilou Lab
Classification: Benign for Tibial muscular dystrophy. Last evaluated: 2021-09-10. Review status: criteria provided, single submitter. Criteria: ACMG Guidelines, 2015. Collection method: clinical testing. Allele origin: germline. Affected: no.

Athena Diagnostics
Classification: Benign. Last evaluated: 2021-01-05. Review status: criteria provided, single submitter. Criteria: Athena Diagnostics criteria. Collection method: clinical testing. Allele origin: unknown.

Eurofins Ntd Llc (ga)
Classification: Benign. Last evaluated: 2018-01-25. Review status: criteria provided, single submitter. Criteria: EGL Classification Definitions 2015. Collection method: clinical testing. Allele origin: germline. Observed: 2 variant alleles, 2 heterozygotes.

Ambry Genetics
Classification: Benign for Cardiovascular phenotype. Last evaluated: 2016-11-03. Review status: criteria provided, single submitter. Criteria: Ambry Variant Classification Scheme 2023. Collection method: clinical testing. Allele origin: germline.

CHEO Genetics Diagnostic Laboratory, Children's Hospital of Eastern Ontario
Classification: Benign for Cardiomyopathy. Last evaluated: 2016-04-05. Review status: criteria provided, single submitter. Criteria: ACMG Guidelines, 2015. Collection method: clinical testing. Allele origin: germline. Study: Canadian Open Genetics Repository.

GeneDx
Classification: Benign. Last evaluated: 2015-03-03. Review status: criteria provided, single submitter. Criteria: GeneDx Variant Classification Process June 2021. Collection method: clinical testing. Allele origin: germline. Affected: yes.

Laboratory for Molecular Medicine, Mass General Brigham Personalized Medicine
Classification: Benign. Last evaluated: 2012-12-06. Review status: criteria provided, single submitter. Criteria: LMM Criteria. Collection method: clinical testing. Allele origin: germline. Observed: 4 variant alleles.
Comment: Arg15502Arg in exon 230 of TTN: This variant is not expected to have clinical si gnificance because it does not alter an amino acid residue, is not located withi n the splice consensus sequence, has been identified in 1.0% (38/3784) of Africa n American chromosomes from a broad population by the NHLBI Exome Sequencing Pro ject (rs138240658). Arg15502Arg in exon 230 of TTN (rs138240658; allele frequency= 1.0%, 38/3784) **

PreventionGenetics, part of Exact Sciences
Classification: Likely benign for TTN-related condition. Last evaluated: 2019-03-29. Review status: no assertion criteria provided. Collection method: clinical testing. Allele origin: germline. Not counted in ClinVar's aggregate classification.
Comment: This variant is classified as likely benign based on ACMG/AMP sequence variant interpretation guidelines (Richards et al. 2015 PMID: 25741868, with internal and published modifications).

Clinical Genetics DNA and cytogenetics Diagnostics Lab, Erasmus MC, Erasmus Medical Center
Classification: Likely benign. Review status: no assertion criteria provided. Collection method: clinical testing. Allele origin: germline. Affected: yes. Study: VKGL Data-share Consensus. Not counted in ClinVar's aggregate classification.

Clinical Genetics, Academic Medical Center
Classification: Benign. Review status: no assertion criteria provided. Collection method: clinical testing. Allele origin: germline. Affected: yes. Study: VKGL Data-share Consensus. Not counted in ClinVar's aggregate classification.

Genome Diagnostics Laboratory, University Medical Center Utrecht
Classification: Likely benign. Review status: no assertion criteria provided. Collection method: clinical testing. Allele origin: germline. Affected: yes. Study: VKGL Data-share Consensus. Not counted in ClinVar's aggregate classification.

NM_001267550.2(TTN):c.54208A>C (p.Arg18070=)

Genes: TTN-AS1 (TTN antisense RNA 1; plus strand), TTN (titin; minus strand). Cytogenetic location: 2q31.2.
Variant type: single nucleotide variant.
Coding change: c.54208A>C on transcript NM_001267550.2 (MANE Select); coding-DNA position 54208, A replaced by C.
Protein change: p.Arg18070=; no amino-acid change (arginine 18070 retained).
Molecular consequence: synonymous variant. On other transcripts: non-coding transcript variant (1).
Genome position (GRCh38, 1-based): chr2:178,604,881, T>G on the plus strand (A>C on the coding strand, the complement: TTN is on the minus strand). VCF-style: chr2-178604881-T-G. GRCh37 (hg19) VCF-style: chr2-179469608-T-G.
Other names: p.Arg15502=; c.54208A>C (NM_001267550.1); c.49285A>C, p.Arg16429= (NM_001256850.1); c.27013A>C, p.Arg9005= (NM_003319.4); c.46504A>C, p.Arg15502= (NM_133378.4); c.27388A>C, p.Arg9130= (NM_133432.3); c.27589A>C, p.Arg9197= (NM_133437.4).
Identifiers: ClinVar variation 47088 (VCV000047088.59), dbSNP rs138240658, ClinGen allele CA139971.